The following is an entry in ClinVar:

NM_003562.5(SLC25A11):c.362T>G (p.Leu121Arg)

Gene: SLC25A11 (solute carrier family 25 member 11; minus strand). Cytogenetic location: 17p13.2.
Variant type: single nucleotide variant.
Coding change: c.362T>G on transcript NM_003562.5 (MANE Select); coding-DNA position 362, T replaced by G.
Protein change: p.Leu121Arg; replaces leucine 121 with arginine.
Molecular consequence: missense variant.
Genome position (GRCh38, 1-based): chr17:4,938,862, A>C on the plus strand (T>G on the coding strand, the complement: SLC25A11 is on the minus strand). VCF-style: chr17-4938862-A-C. GRCh37 (hg19) VCF-style: chr17-4842157-A-C.
Other names: c.329T>G, p.Leu110Arg (NM_001165417.2); c.209T>G, p.Leu70Arg (NM_001165418.2); short protein forms L110R, L121R, L70R.
Identifiers: ClinVar variation 4799604 (VCV004799604.1).

ClinVar aggregate classification (germline): Uncertain significance (1 of 4 stars; one submission).

Submission:

Labcorp Genetics (formerly Invitae), Labcorp
Classification: Uncertain significance. Last evaluated: 2025-07-22. Review status: criteria provided, single submitter. Criteria: Invitae Variant Classification Sherloc (09022015). Collection method: clinical testing. Allele origin: germline.
Comment: This sequence change replaces leucine, which is neutral and non-polar, with arginine, which is basic and polar, at codon 121 of the SLC25A11 protein (p.Leu121Arg). This variant is not present in population databases (gnomAD no frequency). This variant has not been reported in the literature in individuals affected with SLC25A11-related conditions. Invitae Evidence Modeling of protein sequence and biophysical properties (such as structural, functional, and spatial information, amino acid conservation, physicochemical variation, residue mobility, and thermodynamic stability) indicates that this missense variant is not expected to disrupt SLC25A11 protein function with a negative predictive value of 80%. In summary, the available evidence is currently insufficient to determine the role of this variant in disease. Therefore, it has been classified as a Variant of Uncertain Significance.